The following is an entry in ClinVar:

ClinVar aggregate classification (germline): Uncertain significance. Review status: criteria provided, multiple submitters, no conflicts (2 of 4 stars). 3 submissions from 3 submitters: Uncertain significance (3). Last evaluated 2024-09-24.

Conditions:
Hereditary nonpolyposis colorectal neoplasms. Identifiers: MedGen C0009405, MeSH D003123.
Hereditary cancer-predisposing syndrome. Also called: Hereditary neoplastic syndrome; Hereditary Cancer Syndrome; Tumor predisposition; Neoplastic Syndromes, Hereditary. Identifiers: Orphanet 140162, MedGen C0027672, MeSH D009386, MONDO:0015356.
Endometrial carcinoma. Also called: Endometrial carcinoma, somatic. Identifiers: MedGen C0476089, MONDO:0002447, OMIM 608089, HP:0012114.

Allele frequency attached by ClinVar (database versions not stated): gnomAD exomes below 0.00001.
gnomAD v4.1: 2 of 1,614,202 alleles (0.00012%); highest among the groups gnomAD compares: Non-Finnish European, 0.000085%; no homozygotes.

Submissions (3):

Labcorp Genetics (formerly Invitae), Labcorp
Classification: Uncertain significance for Hereditary nonpolyposis colorectal neoplasms. Last evaluated: 2024-09-24. Review status: criteria provided, single submitter. Criteria: Invitae Variant Classification Sherloc (09022015). Collection method: clinical testing. Allele origin: germline.
Comment: This sequence change replaces serine, which is neutral and polar, with leucine, which is neutral and non-polar, at codon 612 of the MSH6 protein (p.Ser612Leu). This variant is not present in population databases (gnomAD no frequency). This variant has not been reported in the literature in individuals affected with MSH6-related conditions. ClinVar contains an entry for this variant (Variation ID: 1524054). Invitae Evidence Modeling of protein sequence and biophysical properties (such as structural, functional, and spatial information, amino acid conservation, physicochemical variation, residue mobility, and thermodynamic stability) indicates that this missense variant is not expected to disrupt MSH6 protein function with a negative predictive value of 95%. In summary, the available evidence is currently insufficient to determine the role of this variant in disease. Therefore, it has been classified as a Variant of Uncertain Significance.

Baylor Genetics
Classification: Uncertain significance for Endometrial carcinoma. Last evaluated: 2023-06-29. Review status: criteria provided, single submitter. Criteria: ACMG Guidelines, 2015. Collection method: clinical testing. Allele origin: unknown.

Ambry Genetics
Classification: Uncertain significance for Hereditary cancer-predisposing syndrome. Last evaluated: 2022-11-18. Review status: criteria provided, single submitter. Criteria: Ambry Variant Classification Scheme 2023. Collection method: clinical testing. Allele origin: germline.
Comment: The p.S612L variant (also known as c.1835C>T), located in coding exon 4 of the MSH6 gene, results from a C to T substitution at nucleotide position 1835. The serine at codon 612 is replaced by leucine, an amino acid with dissimilar properties. This amino acid position is conserved. In addition, this alteration is predicted to be tolerated by in silico analysis. Since supporting evidence is limited at this time, the clinical significance of this alteration remains unclear.

NM_000179.3(MSH6):c.1835C>T (p.Ser612Leu)

Gene: MSH6 (mutS homolog 6; plus strand). Cytogenetic location: 2p16.3.
Variant type: single nucleotide variant.
Coding change: c.1835C>T on transcript NM_000179.3 (MANE Select); coding-DNA position 1835, C replaced by T.
Protein change: p.Ser612Leu; replaces serine 612 with leucine.
Molecular consequence: missense variant.
Genome position (GRCh38, 1-based): chr2:47,799,818, C>T. VCF-style: chr2-47799818-C-T. GRCh37 (hg19) VCF-style: chr2-48026957-C-T.
Other names: c.1445C>T, p.Ser482Leu (NM_001281492.2); c.929C>T, p.Ser310Leu (NM_001281493.2, NM_001281494.2); c.1835C>T (NM_000179.2); short protein forms S310L, S612L, S482L.
Identifiers: ClinVar variation 1524054 (VCV001524054.9), dbSNP rs63750564, ClinGen allele CA346749582.